The following is an entry in ClinVar:

NM_000334.4(SCN4A):c.3715C>A (p.Gln1239Lys)

Genes: GH-LCR (growth hormone locus control region; plus strand), SCN4A (sodium voltage-gated channel alpha subunit 4; minus strand). Cytogenetic location: 17q23.3.
Variant type: single nucleotide variant.
Coding change: c.3715C>A on transcript NM_000334.4 (MANE Select); coding-DNA position 3715, C replaced by A.
Protein change: p.Gln1239Lys; replaces glutamine 1239 with lysine.
Molecular consequence: missense variant.
Genome position (GRCh38, 1-based): chr17:63,945,365, G>T on the plus strand (C>A on the coding strand, the complement: SCN4A is on the minus strand). VCF-style: chr17-63945365-G-T. GRCh37 (hg19) VCF-style: chr17-62022725-G-T.
Other names: short protein forms Q1239K.
Identifiers: ClinVar variation 3731013 (VCV003731013.1).

ClinVar aggregate classification (germline): Uncertain significance (1 of 4 stars; one submission).

Submission:

GeneDx
Classification: Uncertain significance. Last evaluated: 2024-08-11. Review status: criteria provided, single submitter. Criteria: GeneDx Variant Classification Process June 2021. Collection method: clinical testing. Allele origin: germline. Affected: yes.
Comment: Not observed at significant frequency in large population cohorts (gnomAD); In silico analysis supports that this missense variant has a deleterious effect on protein structure/function; Has not been previously published as pathogenic or benign to our knowledge